The following is an entry in ClinVar:

ClinVar aggregate classification (germline): Uncertain significance (1 of 4 stars; one submission).

Conditions:
Muscular dystrophy-dystroglycanopathy (congenital with impaired intellectual development), type B, 14. Also called: Congenital muscular dystrophy-dystroglycanopathy with mental retardation, type B14; Muscular dystrophy-dystroglycanopathy (congenital with intellectual disability), type B14; MUSCULAR DYSTROPHY, CONGENITAL, GMPPB-RELATED. Identifiers: MedGen C3809221, MONDO:0014141, OMIM 615351.
Autosomal recessive limb-girdle muscular dystrophy type 2T. Also called: Limb-girdle muscular dystrophy-dystroglycanopathy, type C14; MUSCULAR DYSTROPHY-DYSTROGLYCANOPATHY, LIMB-GIRDLE, GMPPB-RELATED; MUSCULAR DYSTROPHY, LIMB-GIRDLE, TYPE 2T; Muscular dystrophy-dystroglycanopathy (limb-girdle), type c, 14. Identifiers: Orphanet 363623, MedGen C4518000, MONDO:0014142, OMIM 615352.
Muscular dystrophy-dystroglycanopathy (congenital with brain and eye anomalies), type A14. Also called: Congenital muscular dystrophy-dystroglycanopathy with brain and eye anomalies, type A14; WALKER-WARBURG SYNDROME OR MUSCLE-EYE-BRAIN DISEASE, GMPPB-RELATED; Muscular dystrophy-dystroglycanopathy (congenital with brain and eye anomalies), type a, 14; Congenital Muscular Dystrophy-Dystroglycanopathy with Brain and Eye Anomalies Type A 14. Identifiers: Orphanet 588, MedGen C3809216, MONDO:0014140, OMIM 615350.

Allele frequency attached by ClinVar (database versions not stated): gnomAD exomes 0.00001 and below 0.00001.
gnomAD v4.1: 1 of 1,613,974 alleles (0.000062%); highest among the groups gnomAD compares: Non-Finnish European, 0.000085%; no homozygotes.

Submission:

Labcorp Genetics (formerly Invitae), Labcorp
Classification: Uncertain significance for Autosomal recessive limb-girdle muscular dystrophy type 2T; Muscular dystrophy-dystroglycanopathy (congenital with brain and eye anomalies), type A14; Muscular dystrophy-dystroglycanopathy (congenital with impaired intellectual development), type B, 14. Last evaluated: 2022-06-27. Review status: criteria provided, single submitter. Criteria: Invitae Variant Classification Sherloc (09022015). Collection method: clinical testing. Allele origin: germline.
Comment: This sequence change replaces glutamic acid, which is acidic and polar, with lysine, which is basic and polar, at codon 328 of the GMPPB protein (p.Glu328Lys). This variant is present in population databases (no rsID available, gnomAD 0.003%). This variant has not been reported in the literature in individuals affected with GMPPB-related conditions. Advanced modeling of protein sequence and biophysical properties (such as structural, functional, and spatial information, amino acid conservation, physicochemical variation, residue mobility, and thermodynamic stability) performed at Invitae indicates that this missense variant is not expected to disrupt GMPPB protein function. In summary, the available evidence is currently insufficient to determine the role of this variant in disease. Therefore, it has been classified as a Variant of Uncertain Significance.

NM_021971.4(GMPPB):c.982G>A (p.Glu328Lys)

Gene: GMPPB (GDP-mannose pyrophosphorylase B; minus strand). Cytogenetic location: 3p21.31.
Variant type: single nucleotide variant.
Coding change: c.982G>A on transcript NM_021971.4 (MANE Select); coding-DNA position 982, G replaced by A.
Protein change: p.Glu328Lys; replaces glutamic acid 328 with lysine.
Molecular consequence: missense variant.
Genome position (GRCh38, 1-based): chr3:49,721,853, C>T on the plus strand (G>A on the coding strand, the complement: GMPPB is on the minus strand). VCF-style: chr3-49721853-C-T. GRCh37 (hg19) VCF-style: chr3-49759286-C-T.
Other names: c.1063G>A, p.Glu355Lys (NM_013334.4); short protein forms E355K, E328K.
Identifiers: ClinVar variation 1399587 (VCV001399587.6), dbSNP rs1356812347, ClinGen allele CA352826256.